The following is an entry in ClinVar:

ClinVar aggregate classification (germline): Uncertain significance (1 of 4 stars; one submission).

Conditions:
Inborn genetic diseases. Identifiers: MedGen C0950123, MeSH D030342.

gnomAD v4.1: 47 of 1,613,970 alleles (0.0029%); highest among the groups gnomAD compares: Non-Finnish European, 0.004%; no homozygotes.

Submission:

Ambry Genetics
Classification: Uncertain significance for Inborn genetic diseases. Last evaluated: 2025-01-22. Review status: criteria provided, single submitter. Criteria: Ambry Variant Classification Scheme 2023. Collection method: clinical testing. Allele origin: germline.
Comment: The p.V615E variant (also known as c.1844T>A), located in coding exon 18 of the ANKRD26 gene, results from a T to A substitution at nucleotide position 1844. The valine at codon 615 is replaced by glutamic acid, an amino acid with dissimilar properties. This amino acid position is conserved. In addition, this alteration is predicted to be tolerated by in silico analysis. Based on the available evidence, the clinical significance of this variant remains unclear.

NM_014915.3(ANKRD26):c.1844T>A (p.Val615Glu)

Gene: ANKRD26 (ankyrin repeat domain containing 26; minus strand). Cytogenetic location: 10p12.1.
Variant type: single nucleotide variant.
Coding change: c.1844T>A on transcript NM_014915.3 (MANE Select); coding-DNA position 1844, T replaced by A.
Protein change: p.Val615Glu; replaces valine 615 with glutamic acid.
Molecular consequence: missense variant.
Genome position (GRCh38, 1-based): chr10:27,046,494, A>T on the plus strand (T>A on the coding strand, the complement: ANKRD26 is on the minus strand). VCF-style: chr10-27046494-A-T. GRCh37 (hg19) VCF-style: chr10-27335423-A-T.
Other names: c.1841T>A, p.Val614Glu (NM_001256053.2); short protein forms V614E, V615E.
Identifiers: ClinVar variation 3870675 (VCV003870675.1).